The following is an entry in ClinVar:

NM_015650.4(TRAF3IP1):c.657_658dup (p.Ala220fs)

Gene: TRAF3IP1 (TRAF3 interacting protein 1; plus strand). Cytogenetic location: 2q37.3.
Variant type: Microsatellite.
Coding change: c.657_658dup on transcript NM_015650.4 (MANE Select); coding-DNA positions 657 to 658, 2 bases duplicated (AG; older notation c.657_658dupAG).
Protein change: p.Ala220fs; shifts the reading frame from alanine 220.
Molecular consequence: frameshift variant.
Genome position (GRCh38, 1-based): chr2:238,329,084-238,329,085, AG duplicated; duplicating any 2 consecutive bases within chr2:238,329,073-238,329,085 gives the same sequence; the c. name uses the placement nearest the transcript's 3' end. VCF-style (leftmost placement, unchanged base first): chr2-238329072-G-GGA. GRCh37 (hg19) VCF-style: chr2-239237713-G-GGA.
Other names: p.Ala220Glufs*44; c.657_658dup, p.Ala220fs (NM_001139490.1); short protein forms A220fs.
Identifiers: ClinVar variation 4540830 (VCV004540830.1).

ClinVar aggregate classification (germline): Likely pathogenic (1 of 4 stars; one submission).

Submission:

Mayo Clinic Laboratories, Mayo Clinic
Classification: Likely pathogenic. Last evaluated: 2025-08-12. Review status: criteria provided, single submitter. Criteria: ACMG Guidelines, 2015. Collection method: clinical testing. Allele origin: germline. Observed: 1 variant allele.
Comment: PM2_supporting, PVS1